The following is an entry in ClinVar:

NM_134261.3(RORA):c.983C>G (p.Thr328Arg)

Genes: RORA (RAR related orphan receptor A; minus strand), RORA-AS1 (RORA antisense RNA 1; plus strand). Cytogenetic location: 15q22.2.
Variant type: single nucleotide variant.
Coding change: c.983C>G on transcript NM_134261.3 (MANE Select); coding-DNA position 983, C replaced by G.
Protein change: p.Thr328Arg; replaces threonine 328 with arginine.
Molecular consequence: missense variant.
Genome position (GRCh38, 1-based): chr15:60,503,627, G>C on the plus strand (C>G on the coding strand, the complement: RORA is on the minus strand). VCF-style: chr15-60503627-G-C. GRCh37 (hg19) VCF-style: chr15-60795826-G-C.
Other names: c.1058C>G, p.Thr353Arg (NM_002943.4); c.1082C>G, p.Thr361Arg (NM_134260.3); c.818C>G, p.Thr273Arg (NM_134262.3); short protein forms T273R, T328R, T353R, T361R.
Identifiers: ClinVar variation 985819 (VCV000985819.5), dbSNP rs2065400473, ClinGen allele CA392668799.

ClinVar aggregate classification (germline): Uncertain significance. Review status: criteria provided, multiple submitters, no conflicts (2 of 4 stars). 2 submissions from 2 submitters: Uncertain significance (2). Last evaluated 2022-05-02.

Conditions:
Inborn genetic diseases. Identifiers: MedGen C0950123, MeSH D030342.

Submissions (2):

GeneDx
Classification: Uncertain significance. Last evaluated: 2022-05-02. Review status: criteria provided, single submitter. Criteria: GeneDx Variant Classification Process June 2021. Collection method: clinical testing. Allele origin: germline. Affected: yes.
Comment: Not observed at significant frequency in large population cohorts (gnomAD); In silico analysis supports that this missense variant has a deleterious effect on protein structure/function; De novo variant with confirmed parentage; however, the reported clinical features are only partially consistent with the features typically observed in individuals with pathogenic variants in this gene; Has not been previously published as pathogenic or benign to our knowledge; This variant is associated with the following publications: (PMID: 29656859)

Ambry Genetics
Classification: Uncertain significance for Inborn genetic diseases. Last evaluated: 2018-05-16. Review status: criteria provided, single submitter. Criteria: Ambry exome assertion method (8-5-2015). Collection method: clinical testing. Allele origin: germline. Affected: yes. Observed: 1 variant allele.

Literature cited by the submitters: PubMed 29656859 (cited by Ambry Genetics).